The following is an entry in ClinVar:

NM_005120.3(MED12):c.3846G>A (p.Val1282=)

Gene: MED12 (mediator complex subunit 12; plus strand). Cytogenetic location: Xq13.1.
Variant type: single nucleotide variant.
Coding change: c.3846G>A on transcript NM_005120.3 (MANE Select); coding-DNA position 3846, G replaced by A.
Protein change: p.Val1282=; no amino-acid change (valine 1282 retained).
Molecular consequence: synonymous variant.
Genome position (GRCh38, 1-based): chrX:71,129,834, G>A. VCF-style: chrX-71129834-G-A. GRCh37 (hg19) VCF-style: chrX-70349684-G-A.
Identifiers: ClinVar variation 4736615 (VCV004736615.1).

ClinVar aggregate classification (germline): Uncertain significance (1 of 4 stars; one submission).

Conditions:
FG syndrome (FGS). Identifiers: MedGen C0220769, MONDO:0002010.

Submission:

Labcorp Genetics (formerly Invitae), Labcorp
Classification: Uncertain significance for FG syndrome. Last evaluated: 2026-02-03. Review status: criteria provided, single submitter. Criteria: Invitae Variant Classification Sherloc (09022015). Collection method: clinical testing. Allele origin: germline.
Comment: This sequence change affects codon 1282 of the MED12 mRNA. It is a 'silent' change, meaning that it does not change the encoded amino acid sequence of the MED12 protein. This variant is not present in population databases (gnomAD no frequency). This variant has not been reported in the literature in individuals affected with MED12-related conditions. Algorithms developed to predict the effect of sequence changes on RNA splicing suggest that this variant may create or strengthen a splice site. In summary, the available evidence is currently insufficient to determine the role of this variant in disease. Therefore, it has been classified as a Variant of Uncertain Significance.